The following is an entry in ClinVar:

ClinVar aggregate classification (germline): Uncertain significance (1 of 4 stars; one submission).

Conditions:
Hypertrophic cardiomyopathy. Also called: HYPERTROPHIC MYOCARDIOPATHY. Identifiers: Orphanet 217569, MedGen C0007194, MeSH D002312, MONDO:0005045, HP:0001639.

Submission:

Labcorp Genetics (formerly Invitae), Labcorp
Classification: Uncertain significance for Hypertrophic cardiomyopathy. Last evaluated: 2024-03-27. Review status: criteria provided, single submitter. Criteria: Invitae Variant Classification Sherloc (09022015). Collection method: clinical testing. Allele origin: germline.
Comment: This sequence change replaces glutamic acid, which is acidic and polar, with aspartic acid, which is acidic and polar, at codon 323 of the MYBPC3 protein (p.Glu323Asp). This variant is not present in population databases (gnomAD no frequency). This variant has not been reported in the literature in individuals affected with MYBPC3-related conditions. An algorithm developed to predict the effect of missense changes on protein structure and function (PolyPhen-2) suggests that this variant is likely to be tolerated. In summary, the available evidence is currently insufficient to determine the role of this variant in disease. Therefore, it has been classified as a Variant of Uncertain Significance.

NM_000256.3(MYBPC3):c.969G>C (p.Glu323Asp)

Gene: MYBPC3 (myosin binding protein C3; minus strand). Cytogenetic location: 11p11.2.
Variant type: single nucleotide variant.
Coding change: c.969G>C on transcript NM_000256.3 (MANE Select); coding-DNA position 969, G replaced by C.
Protein change: p.Glu323Asp; replaces glutamic acid 323 with aspartic acid.
Molecular consequence: missense variant.
Genome position (GRCh38, 1-based): chr11:47,346,328, C>G on the plus strand (G>C on the coding strand, the complement: MYBPC3 is on the minus strand). VCF-style: chr11-47346328-C-G. GRCh37 (hg19) VCF-style: chr11-47367879-C-G.
Other names: short protein forms E323D.
Identifiers: ClinVar variation 3647166 (VCV003647166.2).